The following is an entry in ClinVar:

ClinVar aggregate classification (germline): Pathogenic (1 of 4 stars; one submission).

Conditions:
Neurofibromatosis, type 1 (NF1). Also called: Neurofibromatosis, type I; Peripheral type neurofibromatosis; NEUROFIBROMATOSIS, TYPE I, SOMATIC; VON RECKLINGHAUSEN DISEASE. Identifiers: Orphanet 636, MedGen C0027831, MONDO:0018975, OMIM 162200. Disease mechanism: loss of function.

Submission:

Labcorp Genetics (formerly Invitae), Labcorp
Classification: Pathogenic for Neurofibromatosis, type 1. Last evaluated: 2022-06-10. Review status: criteria provided, single submitter. Criteria: Invitae Variant Classification Sherloc (09022015). Collection method: clinical testing. Allele origin: germline.
Comment: This sequence change creates a premature translational stop signal (p.Val1510Glufs*9) in the NF1 gene. It is expected to result in an absent or disrupted protein product. Loss-of-function variants in NF1 are known to be pathogenic (PMID: 10712197, 23913538). This variant is not present in population databases (gnomAD no frequency). This variant has not been reported in the literature in individuals affected with NF1-related conditions. For these reasons, this variant has been classified as Pathogenic.

Literature cited by the submitters: PubMed 10712197; PubMed 23913538.

NM_001042492.3(NF1):c.4585_4591dup (p.Val1531fs)

Gene: NF1 (neurofibromin 1; plus strand). Cytogenetic location: 17q11.2.
Variant type: Duplication.
Coding change: c.4585_4591dup on transcript NM_001042492.3 (MANE Select); coding-DNA positions 4585 to 4591, 7 bases duplicated (AAAGCTG; older notation c.4585_4591dupAAAGCTG).
Protein change: p.Val1531fs; shifts the reading frame from valine 1531.
Molecular consequence: frameshift variant.
Genome position (GRCh38, 1-based): chr17:31,261,718-31,261,724, AAAGCTG duplicated. VCF-style (leftmost placement, unchanged base first): chr17-31261717-T-TAAAGCTG. GRCh37 (hg19) VCF-style: chr17-29588735-T-TAAAGCTG.
Other names: c.4522_4528dup, p.Val1510Glufs (NM_000267.4); short protein forms V1510fs, V1531fs.
Identifiers: ClinVar variation 2004640 (VCV002004640.4), dbSNP rs2508429106, ClinGen allele CA2580093286.